The following is an entry in ClinVar:

NM_000360.4(TH):c.488-17C>G

Gene: TH (tyrosine hydroxylase; minus strand). Cytogenetic location: 11p15.5.
Variant type: single nucleotide variant.
Coding change: c.488-17C>G on transcript NM_000360.4 (MANE Select); 17 bases into the intron before coding-DNA position 488, C replaced by G.
Molecular consequence: intron variant.
Genome position (GRCh38, 1-based): chr11:2,168,196, G>C on the plus strand (C>G on the coding strand, the complement: TH is on the minus strand). VCF-style: chr11-2168196-G-C. GRCh37 (hg19) VCF-style: chr11-2189426-G-C.
Other names: c.569-17C>G (NM_199293.3); c.581-17C>G (NM_199292.3).
Identifiers: ClinVar variation 1302305 (VCV001302305.5), dbSNP rs918432885, ClinGen allele CA216287028.

ClinVar aggregate classification (germline): Uncertain significance. Review status: criteria provided, multiple submitters, no conflicts (2 of 4 stars). 2 submissions from 2 submitters: Uncertain significance (2). Last evaluated 2022-07-09.

Conditions:
TH-deficient dopa-responsive dystonia. Also called: Tyrosine Hydroxylase-Deficient Dopa-Responsive Dystonia; Segawa syndrome, autosomal recessive; DYT-TH. Identifiers: Orphanet 101150, MedGen C2673535, MONDO:0011551, OMIM 605407.

Allele frequency attached by ClinVar (database versions not stated): gnomAD exomes below 0.00001; TOPMed below 0.00001.
gnomAD v4.1: 3 of 1,611,962 alleles (0.00019%); highest among the groups gnomAD compares: Non-Finnish European, 0.00025%; no homozygotes.

Submissions (2):

Labcorp Genetics (formerly Invitae), Labcorp
Classification: Uncertain significance for TH-deficient dopa-responsive dystonia. Last evaluated: 2022-07-09. Review status: criteria provided, single submitter. Criteria: Invitae Variant Classification Sherloc (09022015). Collection method: clinical testing. Allele origin: germline.
Comment: This sequence change falls in intron 4 of the TH gene. It does not directly change the encoded amino acid sequence of the TH protein. This variant is not present in population databases (gnomAD no frequency). This variant has not been reported in the literature in individuals affected with TH-related conditions. ClinVar contains an entry for this variant (Variation ID: 1302305). Algorithms developed to predict the effect of sequence changes on RNA splicing suggest that this variant may create or strengthen a splice site. In summary, the available evidence is currently insufficient to determine the role of this variant in disease. Therefore, it has been classified as a Variant of Uncertain Significance.

GeneDx
Classification: Uncertain significance. Last evaluated: 2019-06-24. Review status: criteria provided, single submitter. Criteria: GeneDx Variant Classification Process June 2021. Collection method: clinical testing. Allele origin: germline. Affected: yes.
Comment: Not observed in large population cohorts (Lek et al., 2016); Located in a region that tolerates variation and lacks pathogenic variants; In-silico analysis, which includes splice predictors and evolutionary conservation, is inconclusive as to whether the variant alters gene splicing. In the absence of RNA/functional studies, the actual effect of this sequence change is unknown.; Has not been previously published as pathogenic or benign to our knowledge